The following is an entry in ClinVar:

ClinVar aggregate classification (germline): Likely pathogenic (1 of 4 stars; one submission).

Conditions:
Hereditary breast ovarian cancer syndrome. Also called: Hereditary breast and/or ovarian cancer syndrome; Hereditary breast and ovarian cancer syndrome (HBOC); Breast and ovarian cancer; Hereditary breast and ovarian cancer; BRCA1- and BRCA2-Associated Hereditary Breast and Ovarian Cancer; Hereditary breast and ovarian cancer syndrome. Identifiers: Orphanet 145, MedGen C0677776, MeSH D061325, MONDO:0003582. Disease mechanism: loss of function.

Submission:

Labcorp Genetics (formerly Invitae), Labcorp
Classification: Likely pathogenic for Hereditary breast and ovarian cancer syndrome. Last evaluated: 2019-11-05. Review status: criteria provided, single submitter. Criteria: Invitae Variant Classification Sherloc (09022015). Collection method: clinical testing. Allele origin: germline.
Comment: This variant results in a copy number gain of the genomic region encompassing exons 12 to 14 of the BRCA1 gene. While the exact position of this variant cannot be determined from this data, sub-genic copy number gains are generally in tandem (PMID: 25640679) and may result in an absent or disrupted protein product. Similar duplications of exons 12-14 have been observed in individual(s) referred for testing of breast cancer predisposition genes (PMID: 30054569). Loss-of-function variants in BRCA1 are known to be pathogenic (PMID: 20104584). In summary, the currently available evidence indicates that the variant is pathogenic, but additional data are needed to prove that conclusively. Therefore, this variant has been classified as Likely Pathogenic.

Literature cited by the submitters: PubMed 30054569.

NC_000017.11:g.(?_43074311)_(43082595_?)dup

Gene: BRCA1 (BRCA1 DNA repair associated; minus strand). Cytogenetic location: 17q21.31.
Variant type: Duplication.
Identifiers: ClinVar variation 831041 (VCV000831041.1).